The following is an entry in ClinVar:

ClinVar aggregate classification (germline): Uncertain significance. Review status: criteria provided, multiple submitters, no conflicts (2 of 4 stars). 3 submissions from 3 submitters: Uncertain significance (3). Last evaluated 2024-05-29.

Conditions:
Renal cell carcinoma. Identifiers: Orphanet 217071, MedGen C0007134, MeSH D002292, MONDO:0005086, HP:0005584.
Hereditary cancer-predisposing syndrome. Also called: Tumor predisposition; Hereditary neoplastic syndrome; Hereditary Cancer Syndrome; Neoplastic Syndromes, Hereditary. Identifiers: Orphanet 140162, MedGen C0027672, MeSH D009386, MONDO:0015356.

Allele frequency attached by ClinVar (database versions not stated): TOPMed 0.00001; gnomAD 0.00002.
gnomAD v4.1: 4 of 1,613,824 alleles (0.00025%); highest among the groups gnomAD compares: African/African-American, 0.0027%; no homozygotes.

Submissions (3):

Labcorp Genetics (formerly Invitae), Labcorp
Classification: Uncertain significance for Renal cell carcinoma. Last evaluated: 2024-05-29. Review status: criteria provided, single submitter. Criteria: Invitae Variant Classification Sherloc (09022015). Collection method: clinical testing. Allele origin: germline.
Comment: This sequence change replaces glutamine, which is neutral and polar, with histidine, which is basic and polar, at codon 947 of the MET protein (p.Gln947His). This variant is present in population databases (no rsID available, gnomAD 0.01%). This variant has not been reported in the literature in individuals affected with MET-related conditions. ClinVar contains an entry for this variant (Variation ID: 576537). Advanced modeling of protein sequence and biophysical properties (such as structural, functional, and spatial information, amino acid conservation, physicochemical variation, residue mobility, and thermodynamic stability) performed at Invitae indicates that this missense variant is not expected to disrupt MET protein function with a negative predictive value of 80%. In summary, the available evidence is currently insufficient to determine the role of this variant in disease. Therefore, it has been classified as a Variant of Uncertain Significance.

Ambry Genetics
Classification: Uncertain significance for Hereditary cancer-predisposing syndrome. Last evaluated: 2024-04-27. Review status: criteria provided, single submitter. Criteria: Ambry Variant Classification Scheme 2023. Collection method: clinical testing. Allele origin: germline.
Comment: The p.Q947H variant (also known as c.2841G>C), located in coding exon 12 of the MET gene, results from a G to C substitution at nucleotide position 2841. The glutamine at codon 947 is replaced by histidine, an amino acid with highly similar properties. This amino acid position is conserved. In addition, this alteration is predicted to be tolerated by in silico analysis. Since supporting evidence is limited at this time, the clinical significance of this alteration remains unclear.

GeneDx
Classification: Uncertain significance. Last evaluated: 2023-11-02. Review status: criteria provided, single submitter. Criteria: GeneDx Variant Classification Process June 2021. Collection method: clinical testing. Allele origin: germline. Affected: yes.
Comment: In silico analysis supports that this missense variant has a deleterious effect on protein structure/function; Has not been previously published as pathogenic or benign to our knowledge

NM_000245.4(MET):c.2787G>C (p.Gln929His)

Gene: MET (MET proto-oncogene, receptor tyrosine kinase; plus strand). Cytogenetic location: 7q31.2.
Variant type: single nucleotide variant.
Coding change: c.2787G>C on transcript NM_000245.4 (MANE Select); coding-DNA position 2787, G replaced by C.
Protein change: p.Gln929His; replaces glutamine 929 with histidine.
Molecular consequence: missense variant.
Genome position (GRCh38, 1-based): chr7:116,771,554, G>C. VCF-style: chr7-116771554-G-C. GRCh37 (hg19) VCF-style: chr7-116411608-G-C.
Other names: c.2841G>C (LRG_662t1); c.2841G>C, p.Gln947His (NM_001127500.3); c.1497G>C, p.Gln499His (NM_001324402.2); short protein forms Q947H, Q499H, Q929H.
Identifiers: ClinVar variation 576537 (VCV000576537.14), dbSNP rs908653562, ClinGen allele CA164904797.